The following is an entry in ClinVar:

NM_000092.5(COL4A4):c.4607G>T (p.Arg1536Ile)

Gene: COL4A4 (collagen type IV alpha 4 chain; minus strand). Cytogenetic location: 2q36.3.
Variant type: single nucleotide variant.
Coding change: c.4607G>T on transcript NM_000092.5 (MANE Select); coding-DNA position 4607, G replaced by T.
Protein change: p.Arg1536Ile; replaces arginine 1536 with isoleucine.
Molecular consequence: missense variant.
Genome position (GRCh38, 1-based): chr2:227,008,220, C>A on the plus strand (G>T on the coding strand, the complement: COL4A4 is on the minus strand). VCF-style: chr2-227008220-C-A. GRCh37 (hg19) VCF-style: chr2-227872936-C-A.
Other names: short protein forms R1536I.
Identifiers: ClinVar variation 1990150 (VCV001990150.3), dbSNP rs1012782965, ClinGen allele CA67238301.

ClinVar aggregate classification (germline): Uncertain significance. Review status: criteria provided, multiple submitters, no conflicts (2 of 4 stars). 2 submissions from 2 submitters: Uncertain significance (2). Last evaluated 2025-06-23.

Conditions:
Alport syndrome. Also called: Hemorrhagic familial nephritis; Hemorrhagic hereditary nephritis; Congenital hereditary hematuria. Identifiers: Orphanet 63, MedGen C1567741, MONDO:0018965.

Allele frequency attached by ClinVar (database versions not stated): TOPMed 0.00001; gnomAD 0.00001; gnomAD exomes below 0.00001.
gnomAD v4.1: 10 of 1,614,082 alleles (0.00062%); highest among the groups gnomAD compares: Non-Finnish European, 0.00068%; no homozygotes.

Submissions (2):

Victorian Clinical Genetics Services, Murdoch Childrens Research Institute
Classification: Uncertain significance for Alport syndrome. Last evaluated: 2025-06-23. Review status: criteria provided, single submitter. Criteria: ACMG Guidelines, 2015. Collection method: clinical testing. Allele origin: germline. Affected: yes.
Comment: This variant is classified as VUS-3B. Evidence in support of pathogenic classification: Variant is present in gnomAD <0.01 (v4: 10 heterozygote(s), 0 homozygote(s)). Additional information: Variant is predicted to result in a missense amino acid change from arginine to isoleucine; This variant is heterozygous; This gene is associated with both recessive and dominant disease. Alport syndrome typically has biallelic inheritance, although rare cases of monoallelic inheritance have been reported (PMID: 28704582). Thin basement membrane nephropathy (TBMN) and focal segmental glomerulosclerosis (FSGS) are associated with autosomal dominant inheritance (OMIM, PMIDs: 16467446, 17942953); Previous evidence of pathogenicity for this variant is inconclusive. This variant has been classified as a VUS by a clinical laboratory in ClinVar; No published segregation evidence has been identified for this variant; No published functional evidence has been identified for this variant; No comparable missense variants have previous evidence for pathogenicity; Variant is located in the annotated carboxy NC domain (PMID: 33854215); Missense variant with inconclusive in silico prediction and uninformative conservation; Loss of function is a known mechanism of disease for this gene and is associated with Alport syndrome. Dominant negative is a suspected mechanism of disease for this gene as it is a structural protein (PMIDs: 12028435, 24046192); Inheritance information for this variant is not currently available in this individual.

Labcorp Genetics (formerly Invitae), Labcorp
Classification: Uncertain significance. Last evaluated: 2022-06-14. Review status: criteria provided, single submitter. Criteria: Invitae Variant Classification Sherloc (09022015). Collection method: clinical testing. Allele origin: germline.
Comment: This sequence change replaces arginine, which is basic and polar, with isoleucine, which is neutral and non-polar, at codon 1536 of the COL4A4 protein (p.Arg1536Ile). This variant is present in population databases (no rsID available, gnomAD 0.002%). This variant has not been reported in the literature in individuals affected with COL4A4-related conditions. Advanced modeling of protein sequence and biophysical properties (such as structural, functional, and spatial information, amino acid conservation, physicochemical variation, residue mobility, and thermodynamic stability) performed at Invitae indicates that this missense variant is not expected to disrupt COL4A4 protein function. In summary, the available evidence is currently insufficient to determine the role of this variant in disease. Therefore, it has been classified as a Variant of Uncertain Significance.

Literature cited by the submitters: PubMed 24046192 (cited by Victorian Clinical Genetics Services, Murdoch Childrens Research Institute); PubMed 16467446 (cited by Victorian Clinical Genetics Services, Murdoch Childrens Research Institute); PubMed 33854215 (cited by Victorian Clinical Genetics Services, Murdoch Childrens Research Institute); PubMed 12028435 (cited by Victorian Clinical Genetics Services, Murdoch Childrens Research Institute); PubMed 28704582 (cited by Victorian Clinical Genetics Services, Murdoch Childrens Research Institute); PubMed 17942953 (cited by Victorian Clinical Genetics Services, Murdoch Childrens Research Institute).